The following is an entry in ClinVar:

ClinVar aggregate classification (germline): Uncertain significance (1 of 4 stars; one submission).

Submission:

Labcorp Genetics (formerly Invitae), Labcorp
Classification: Uncertain significance. Last evaluated: 2024-04-22. Review status: criteria provided, single submitter. Criteria: Invitae Variant Classification Sherloc (09022015). Collection method: clinical testing. Allele origin: germline.
Comment: This sequence change replaces glycine, which is neutral and non-polar, with arginine, which is basic and polar, at codon 634 of the SLC20A2 protein (p.Gly634Arg). This variant is not present in population databases (gnomAD no frequency). This variant has not been reported in the literature in individuals affected with SLC20A2-related conditions. Advanced modeling of protein sequence and biophysical properties (such as structural, functional, and spatial information, amino acid conservation, physicochemical variation, residue mobility, and thermodynamic stability) has been performed at Invitae for this missense variant, however the output from this modeling did not meet the statistical confidence thresholds required to predict the impact of this variant on SLC20A2 protein function. In summary, the available evidence is currently insufficient to determine the role of this variant in disease. Therefore, it has been classified as a Variant of Uncertain Significance.

NM_001257180.2(SLC20A2):c.1900G>A (p.Gly634Arg)

Gene: SLC20A2 (solute carrier family 20 member 2; minus strand). Cytogenetic location: 8p11.21.
Variant type: single nucleotide variant.
Coding change: c.1900G>A on transcript NM_001257180.2 (MANE Select); coding-DNA position 1900, G replaced by A.
Protein change: p.Gly634Arg; replaces glycine 634 with arginine.
Molecular consequence: missense variant.
Genome position (GRCh38, 1-based): chr8:42,417,862, C>T on the plus strand (G>A on the coding strand, the complement: SLC20A2 is on the minus strand). VCF-style: chr8-42417862-C-T. GRCh37 (hg19) VCF-style: chr8-42275380-C-T.
Other names: c.1900G>A, p.Gly634Arg (NM_001257181.2, NM_006749.5); short protein forms G634R.
Identifiers: ClinVar variation 3650574 (VCV003650574.2).